The following is an entry in ClinVar:

ClinVar aggregate classification (germline): Uncertain significance. Review status: criteria provided, multiple submitters, no conflicts (2 of 4 stars). 2 submissions from 2 submitters: Uncertain significance (2). Last evaluated 2024-11-04.

Conditions:
Gorlin syndrome. Also called: Nevoid Basal Cell Carcinoma Syndrome; Basal cell nevus syndrome. Identifiers: Orphanet 377, MedGen C0004779, MONDO:0007187.

Submissions (2):

Labcorp Genetics (formerly Invitae), Labcorp
Classification: Uncertain significance for Gorlin syndrome. Last evaluated: 2024-11-04. Review status: criteria provided, single submitter. Criteria: Invitae Variant Classification Sherloc (09022015). Collection method: clinical testing. Allele origin: germline.
Comment: This sequence change creates a premature translational stop signal (p.Leu1169Profs*11) in the PTCH2 gene. While this is not anticipated to result in nonsense mediated decay, it is expected to disrupt the last 35 amino acid(s) of the PTCH2 protein. The frequency data for this variant in the population databases is considered unreliable, as metrics indicate poor data quality at this position in the gnomAD database. This variant has not been reported in the literature in individuals affected with PTCH2-related conditions. ClinVar contains an entry for this variant (Variation ID: 2900989). Experimental studies and prediction algorithms are not available or were not evaluated, and the functional significance of this variant is currently unknown. In summary, the available evidence is currently insufficient to determine the role of this variant in disease. Therefore, it has been classified as a Variant of Uncertain Significance.

CeGaT Center for Human Genetics Tuebingen
Classification: Uncertain significance. Last evaluated: 2023-12-01. Review status: criteria provided, single submitter. Criteria: CeGaT Center For Human Genetics Tuebingen Variant Classification Criteria Version 2. Collection method: clinical testing. Allele origin: germline. Affected: yes. Observed: 1 variant allele.

NM_003738.5(PTCH2):c.3505dup (p.Leu1169fs)

Gene: PTCH2 (patched 2; minus strand). Cytogenetic location: 1p34.1.
Variant type: Duplication.
Coding change: c.3505dup on transcript NM_003738.5 (MANE Select); coding-DNA position 3505, one base duplicated (C; older notation c.3505dupC).
Protein change: p.Leu1169fs; shifts the reading frame from leucine 1169.
Molecular consequence: frameshift variant. On other transcripts: intron variant (1).
Genome position (GRCh38, 1-based): chr1:44,822,522, G duplicated on the plus strand (C on the coding strand, the reverse complement: PTCH2 is on the minus strand); the first of 7 consecutive G bases (chr1:44,822,522-44,822,528); duplicating any one gives the same sequence. VCF-style (leftmost placement, unchanged base first): chr1-44822521-A-AG. GRCh37 (hg19) VCF-style: chr1-45288193-A-AG.
Other names: c.3425+80dup (NM_001166292.2); short protein forms L1169fs.
Identifiers: ClinVar variation 2900989 (VCV002900989.25), dbSNP rs763413121, ClinGen allele CA822661.
Genomic context (GRCh38, chr1:44,822,521, plus strand): 5'-CTAGTGGCAGCAGGGGACCAAGGGGGCTCATCAGGGGCTGGATGGATGTAGGCACCAGGC[A>AG]GGGGGGGTGGGTGGATGGCCACGGTCATGGAGGTAGTCACTCTGGCAAAGCTCTGGGGCA-3'